The following is an entry in ClinVar:

NM_001017974.2(P4HA2):c.654C>G (p.Phe218Leu)

Gene: P4HA2 (prolyl 4-hydroxylase subunit alpha 2; minus strand). Cytogenetic location: 5q31.1.
Variant type: single nucleotide variant.
Coding change: c.654C>G on transcript NM_001017974.2 (MANE Select); coding-DNA position 654, C replaced by G.
Protein change: p.Phe218Leu; replaces phenylalanine 218 with leucine.
Molecular consequence: missense variant.
Genome position (GRCh38, 1-based): chr5:132,210,339, G>C on the plus strand (C>G on the coding strand, the complement: P4HA2 is on the minus strand). VCF-style: chr5-132210339-G-C. GRCh37 (hg19) VCF-style: chr5-131546032-G-C.
Other names: c.654C>G, p.Phe218Leu (NM_001142598.2, NM_001142599.2, NM_001365677.2 and 5 more transcripts); short protein forms F218L.
Identifiers: ClinVar variation 732289 (VCV000732289.12), dbSNP rs148740080, ClinGen allele CA3402665.

ClinVar aggregate classification (germline): Benign/Likely benign. Review status: criteria provided, multiple submitters, no conflicts (2 of 4 stars). 3 submissions from 3 submitters: Benign (2); Likely benign (1). Last evaluated 2025-07-01.

Conditions:
Myopia 25, autosomal dominant (MYP25). Identifiers: MedGen C4310655, MONDO:0014982, OMIM 617238.

Allele frequency attached by ClinVar (database versions not stated): 1000 Genomes Project 0.00020; 1000 Genomes Project 30x 0.00031; gnomAD exomes 0.00042 and 0.00086; TOPMed 0.00048; gnomAD 0.00050 and 0.00051; ESP Exome Variant Server 0.00062; ExAC 0.00063.
gnomAD v4.1: 749 of 1,614,094 alleles (0.046%); highest among the groups gnomAD compares: Admixed American, 0.025%; 6 homozygotes.

Submissions (3):

CeGaT Center for Human Genetics Tuebingen
Classification: Benign. Last evaluated: 2025-07-01. Review status: criteria provided, single submitter. Criteria: CeGaT Center For Human Genetics Tuebingen Variant Classification Criteria Version 2. Collection method: clinical testing. Allele origin: germline. Affected: yes. Observed: 1 variant allele.
Comment: P4HA2: BS1, BS2

Department of Pathology and Laboratory Medicine, Sinai Health System
Classification: Likely benign for Myopia 25, autosomal dominant. Last evaluated: 2021-07-30. Review status: criteria provided, single submitter. Criteria: ACMG Guidelines, 2015. Collection method: research. Allele origin: germline.

Labcorp Genetics (formerly Invitae), Labcorp
Classification: Benign. Last evaluated: 2018-07-15. Review status: criteria provided, single submitter. Criteria: Invitae Variant Classification Sherloc (09022015). Collection method: clinical testing. Allele origin: germline.